The following is an entry in ClinVar:

ClinVar aggregate classification (germline): Uncertain significance (1 of 4 stars; one submission).

Conditions:
Nephronophthisis. Also called: Juvenile Nephronophthisis. Identifiers: Orphanet 655, MedGen C0687120, MONDO:0019005, HP:0000090.

Submission:

Labcorp Genetics (formerly Invitae), Labcorp
Classification: Uncertain significance for Nephronophthisis. Last evaluated: 2022-03-24. Review status: criteria provided, single submitter. Criteria: Invitae Variant Classification Sherloc (09022015). Collection method: clinical testing. Allele origin: germline.
Comment: In summary, the available evidence is currently insufficient to determine the role of this variant in disease. Therefore, it has been classified as a Variant of Uncertain Significance. Algorithms developed to predict the effect of missense changes on protein structure and function are either unavailable or do not agree on the potential impact of this missense change (SIFT: "Tolerated"; PolyPhen-2: "Possibly Damaging"; Align-GVGD: "Class C0"). This variant has not been reported in the literature in individuals affected with NPHP4-related conditions. This variant is not present in population databases (gnomAD no frequency). This sequence change replaces glycine, which is neutral and non-polar, with aspartic acid, which is acidic and polar, at codon 1113 of the NPHP4 protein (p.Gly1113Asp).

NM_015102.5(NPHP4):c.3338G>A (p.Gly1113Asp)

Gene: NPHP4 (nephrocystin 4; minus strand). Cytogenetic location: 1p36.31.
Variant type: single nucleotide variant.
Coding change: c.3338G>A on transcript NM_015102.5 (MANE Select); coding-DNA position 3338, G replaced by A.
Protein change: p.Gly1113Asp; replaces glycine 1113 with aspartic acid.
Molecular consequence: missense variant. On other transcripts: non-coding transcript variant (1).
Genome position (GRCh38, 1-based): chr1:5,867,874, C>T on the plus strand (G>A on the coding strand, the complement: NPHP4 is on the minus strand). VCF-style: chr1-5867874-C-T. GRCh37 (hg19) VCF-style: chr1-5927934-C-T.
Other names: c.1799G>A, p.Gly600Asp (NM_001291593.2); c.1802G>A, p.Gly601Asp (NM_001291594.2); short protein forms G601D, G1113D, G600D.
Identifiers: ClinVar variation 2084017 (VCV002084017.4), dbSNP rs767999003, ClinGen allele CA553650.